The following is an entry in ClinVar:

ClinVar aggregate classification (germline): Pathogenic. Review status: reviewed by expert panel (3 of 4 stars). 31 submissions from 30 submitters: Pathogenic (1). 30 of the submissions do not count toward it. Last evaluated 2016-04-22.

Conditions:
Inherited ovarian cancer (without breast cancer).
Inherited breast cancer and ovarian cancer.
Hereditary cancer-predisposing syndrome. Also called: Hereditary neoplastic syndrome; Neoplastic Syndromes, Hereditary; Hereditary Cancer Syndrome; Tumor predisposition. Identifiers: Orphanet 140162, MedGen C0027672, MeSH D009386, MONDO:0015356.
Breast and/or ovarian cancer. Identifiers: MedGen CN221562.
Hereditary breast ovarian cancer syndrome. Also called: Breast and ovarian cancer; Hereditary breast and/or ovarian cancer syndrome; BRCA1- and BRCA2-Associated Hereditary Breast and Ovarian Cancer; Hereditary breast and ovarian cancer syndrome; Hereditary breast and ovarian cancer; Hereditary breast and ovarian cancer syndrome (HBOC). Identifiers: Orphanet 145, MedGen C0677776, MeSH D061325, MONDO:0003582. Disease mechanism: loss of function.
Breast-ovarian cancer, familial, susceptibility to, 1 (BROVCA1). Also called: BRCA1 Hereditary Breast and Ovarian Cancer; OVARIAN CANCER, SUSCEPTIBILITY TO. Identifiers: Orphanet 145, MedGen C2676676, MONDO:0011450, OMIM 604370. Disease mechanism: loss of function.

Submissions 1 to 9 of 31:

Evidence-based Network for the Interpretation of Germline Mutant Alleles (ENIGMA)
Classification: Pathogenic for Breast-ovarian cancer, familial, susceptibility to, 1. Last evaluated: 2016-04-22. Review status: reviewed by expert panel. Criteria: ENIGMA BRCA1/2 Classification Criteria (2015). Collection method: curation. Allele origin: germline.
Comment: Variant allele predicted to encode a truncated non-functional protein.

Genetics Laboratory, Great Ormond Street Hospital NHS Foundation Trust, North Thames Genomic Laboratory Hub
Classification: Pathogenic for Inherited ovarian cancer (without breast cancer). Last evaluated: 2026-09-07. Review status: criteria provided, single submitter. Criteria: CanVIG BRCA Gene Specific V1.22. Collection method: clinical testing. Allele origin: germline. Affected: yes. Not counted in ClinVar's aggregate classification.
Comment: PS4_very-strong, PM2_supporting, PVS1_very-strong, PM5_strong

Labcorp Genetics (formerly Invitae), Labcorp
Classification: Pathogenic for Hereditary breast ovarian cancer syndrome. Last evaluated: 2026-01-18. Review status: criteria provided, single submitter. Criteria: Invitae Variant Classification Sherloc (09022015). Collection method: clinical testing. Allele origin: germline. Not counted in ClinVar's aggregate classification.
Comment: This sequence change creates a premature translational stop signal (p.Lys894Thrfs*8) in the BRCA1 gene. It is expected to result in an absent or disrupted protein product. Loss-of-function variants in BRCA1 are known to be pathogenic (PMID: 20104584). This variant is not present in population databases (gnomAD no frequency). This premature translational stop signal has been observed in individual(s) with BRCA1-related conditions (PMID: 7894493, 12698193, 21324516, 22006311, 23199084). It is commonly reported in individuals of European ancestry (PMID: 7894493, 12698193, 21324516, 22006311, 23199084). This variant is also known as 2800delAA. ClinVar contains an entry for this variant (Variation ID: 17667). For these reasons, this variant has been classified as Pathogenic.

Genetics Laboratory, Great Ormond Street Hospital NHS Foundation Trust, North Thames Genomic Laboratory Hub
Classification: Pathogenic for Inherited breast cancer and ovarian cancer. Last evaluated: 2025-12-15. Review status: criteria provided, single submitter. Criteria: CanVIG BRCA Gene Specific V1.22. Collection method: clinical testing. Allele origin: germline. Affected: yes. Not counted in ClinVar's aggregate classification.
Comment: the same text as in the submission from Genetics Laboratory, Great Ormond Street Hospital NHS Foundation Trust, North Thames Genomic Laboratory Hub above.

Helix
Classification: Pathogenic for Breast-ovarian cancer, familial, susceptibility to, 1. Last evaluated: 2025-08-20. Review status: criteria provided, single submitter. Criteria: ACMG Guidelines, 2015. Collection method: clinical testing. Allele origin: germline. Inheritance: Autosomal dominant inheritance. Not counted in ClinVar's aggregate classification.
Comment: This variant (NM_007294.4:c.2681_2682del p.Lys894ThrfsTer8) results in a frameshift, which creates a premature stop codon in the BRCA1 gene. This variant is predicted to result in nonsense-mediated mRNA decay or in the production of a truncated protein, leading to loss-of-function (LOF). LOF variants in the BRCA1 gene are known to be deleterious (PMID: 20104584, 20301575). It is present in the gnomAD population database (v4.1) at the highest allele frequency in the European (non-Finnish) subpopulation among non-founder subpopulations (22/1179954 alleles, 0.0019%). This variant has been observed in individuals with BRCA1-associated cancers (PMID: 21324516, 26848151, 30322717, 29339979, 33758026). This variant is present in ClinVar (Accession: VCV000017667.50). In conclusion, this variant has been classified as Pathogenic.

ARUP Laboratories, Molecular Genetics and Genomics, ARUP Laboratories
Classification: Pathogenic. Last evaluated: 2025-06-18. Review status: criteria provided, single submitter. Criteria: ARUP Molecular Germline Variant Investigation Process 2024. Collection method: clinical testing. Allele origin: germline. Not counted in ClinVar's aggregate classification.
Comment: The BRCA1 c.2681_2682del; p.Lys894ThrfsTer8 variant (rs80357971, ClinVar Variation ID: 17667), also reported as 2800delAA, is reported in the literature in individuals and families affected with breast, ovarian, and/or prostate cancer (selected references: Friedman 1994, Kerr 2016, Lilyquist 2017, Zhang 2011) and may be a founder variant in the Scottish population (Liede 2000). This variant is also absent from the Genome Aggregation Database (v2.1.1), indicating it is not a common polymorphism. This variant causes a frameshift by deleting two nucleotides, so it is predicted to result in a truncated protein or mRNA subject to nonsense-mediated decay. Based on available information, this variant is considered to be pathogenic. References: Friedman LS et al. Confirmation of BRCA1 by analysis of germline mutations linked to breast and ovarian cancer in ten families. Nat Genet. 1994 Dec;8(4):399-404. PMID: 7894493. Kerr L et al. A cohort analysis of men with a family history of BRCA1/2 and Lynch mutations for prostate cancer. BMC Cancer. 2016 Jul 25;16:529. PMID: 27456091. Liede A et al. Evidence of a founder BRCA1 mutation in Scotland. Br J Cancer. 2000 Feb;82(3):705-11. PMID: 10682686. Lilyquist J et al. Frequency of mutations in a large series of clinically ascertained ovarian cancer cases tested on multi-gene panels compared to reference controls. Gynecol Oncol. 2017 Nov;147(2):375-380. PMID: 28888541. Zhang S et al. Frequencies of BRCA1 and BRCA2 mutations among 1,342 unselected patients with invasive ovarian cancer. Gynecol Oncol. 2011 May 1;121(2):353-7. PMID: 21324516.

Molecular Pathology, Peter Maccallum Cancer Centre
Classification: Pathogenic for Breast-ovarian cancer, familial, susceptibility to, 1. Last evaluated: 2025-06-10. Review status: criteria provided, single submitter. Criteria: ACMG Guidelines, 2015. Collection method: clinical testing. Allele origin: germline. Inheritance: Autosomal dominant inheritance. Not counted in ClinVar's aggregate classification.

Mayo Clinic Laboratories, Mayo Clinic
Classification: Pathogenic. Last evaluated: 2024-12-30. Review status: criteria provided, single submitter. Criteria: ACMG Guidelines, 2015. Collection method: clinical testing. Allele origin: germline. Observed: 2 variant alleles. Not counted in ClinVar's aggregate classification.
Comment: PM5_strong, PVS1

Ambry Genetics
Classification: Pathogenic for Hereditary cancer-predisposing syndrome. Last evaluated: 2024-10-23. Review status: criteria provided, single submitter. Criteria: Ambry Variant Classification Scheme 2023. Collection method: clinical testing. Allele origin: germline. Not counted in ClinVar's aggregate classification.
Comment: The c.2681_2682delAA pathogenic mutation, located in coding exon 9 of the BRCA1 gene, results from a deletion of two nucleotides at nucleotide positions 2681 to 2682, causing a translational frameshift with a predicted alternate stop codon (p.K894Tfs*8). This mutation has been identified in multiple breast and/or ovarian cancer families and has been described as a Scottish founder mutation (Friedman LS et al. Nat. Genet. 1994 Dec;8:399-404; Janavicius R. EPMA J. 2010 Sep;1:397-412; Zhang S et al. Gynecol. Oncol. 2011 May;121:353-7; Walsh T et al. Proc. Natl. Acad. Sci. USA. 2011 Nov;108:18032-7; Pruss D et al. Breast Cancer Res. Treat. 2014 Aug;147:119-32; Couch FJ et al. J. Clin. Oncol. 2015 Feb;33:304-11; Wong-Brown M et al. Hered. Cancer Clin. Pract. 2016 Feb;14:6; Heramb C et al. Hered Cancer Clin Pract. 2018 Jan 10;16:3). Of note, this alteration is also designated as 2800delAA in published literature. In addition to the clinical data presented in the literature, this alteration is expected to result in loss of function by premature protein truncation or nonsense-mediated mRNA decay. As such, this alteration is interpreted as a disease-causing mutation.

NM_007294.4(BRCA1):c.2681_2682del (p.Lys894fs)

Gene: BRCA1 (BRCA1 DNA repair associated; minus strand). Cytogenetic location: 17q21.31.
Variant type: Deletion.
Coding change: c.2681_2682del on transcript NM_007294.4 (MANE Select); coding-DNA positions 2681 to 2682, 2 bases deleted (AA; older notation c.2681_2682delAA).
Protein change: p.Lys894fs; shifts the reading frame from lysine 894.
Molecular consequence: frameshift variant. On other transcripts: intron variant (137).
Genome position (GRCh38, 1-based): chr17:43,092,849-43,092,850, TT deleted on the plus strand (AA on the coding strand, the reverse complement: BRCA1 is on the minus strand); deleting any 2 consecutive bases within chr17:43,092,849-43,092,851 gives the same sequence; the c. name uses the placement nearest the transcript's 3' end. VCF-style (leftmost placement, unchanged base first): chr17-43092848-GTT-G. GRCh37 (hg19) VCF-style: chr17-41244865-GTT-G.
Other names: 2800_2801delAA; 2800delAA; c.2681_2682del (U14680.1); c.2681_2682delAA (NM_007294.3); c.2468_2469del, p.Lys823fs (NM_001407571.1, NM_001407853.1, NM_001407894.1 and 9 more transcripts); c.2681_2682del, p.Lys894fs (NM_001407581.1, NM_001407582.1, NM_001407583.1 and 30 more transcripts); c.2678_2679del, p.Lys893fs (NM_001407587.1, NM_001407590.1, NM_001407591.1 and 22 more transcripts); c.2672_2673del, p.Lys891fs (NM_001407646.1, NM_001407647.1); and 45 more; short protein forms K894fs, K847fs, K598fs, K766fs, K783fs, K805fs, K824fs, K891fs.
Identifiers: ClinVar variation 17667 (VCV000017667.56), dbSNP rs80357971, ClinGen allele CA001761.